The following is an entry in ClinVar:

NM_030653.4(DDX11):c.1522-16C>A

Gene: DDX11 (DEAD/H-box helicase 11; plus strand). Cytogenetic location: 12p11.21.
Variant type: single nucleotide variant.
Coding change: c.1522-16C>A on transcript NM_030653.4 (MANE Select); 16 bases into the intron before coding-DNA position 1522, C replaced by A.
Molecular consequence: intron variant.
Genome position (GRCh38, 1-based): chr12:31,096,621, C>A. VCF-style: chr12-31096621-C-A. GRCh37 (hg19) VCF-style: chr12-31249555-C-A.
Other names: NC_000012.11:g.31249555C>A; c.1522-16C>A (NM_001413693.1, NM_152438.2, NM_004399.3 and 5 more transcripts); c.661-16C>A (NM_001413705.1, NM_001413704.1); c.556-16C>A (NM_001413706.1); c.1435-16C>A (NM_001413700.1); c.994-16C>A (NM_001413702.1, NM_001413703.1); c.1444-16C>A (NM_001413697.1, NM_001413699.1, NM_001257145.2 and 1 more transcripts).
Identifiers: ClinVar variation 3256976 (VCV003256976.21).

ClinVar aggregate classification (germline): Conflicting classifications of pathogenicity. Review status: criteria provided, conflicting classifications (1 of 4 stars). 4 submissions from 4 submitters: Uncertain significance (1); Benign (1); Likely benign (2). Last evaluated 2026-01-14.

Conditions:
Warsaw breakage syndrome (WABS). Also called: DDX11-Related Cohesinopathy. Identifiers: Orphanet 280558, MedGen C3150658, MONDO:0013252, OMIM 613398.

gnomAD v4.1: 612 of 1,612,694 alleles (0.038%); highest among the groups gnomAD compares: South Asian, 0.21%; 2 homozygotes.

Submissions (6):

Labcorp Genetics (formerly Invitae), Labcorp
Classification: Benign. Last evaluated: 2026-01-14. Review status: criteria provided, single submitter. Criteria: Invitae Variant Classification Sherloc (09022015). Collection method: clinical testing. Allele origin: germline.

Blueprint Genetics
Classification: Likely benign. Last evaluated: 2024-07-15. Review status: criteria provided, single submitter. Criteria: ACMG Guidelines, 2015. Collection method: clinical testing. Allele origin: germline.

CeGaT Center for Human Genetics Tuebingen
Classification: Likely benign. Last evaluated: 2024-07-01. Review status: criteria provided, single submitter. Criteria: CeGaT Center For Human Genetics Tuebingen Variant Classification Criteria Version 2. Collection method: clinical testing. Allele origin: germline. Affected: yes. Observed: 1 variant allele.
Comment: DDX11: BP4, BS2

Fulgent Genetics
Classification: Uncertain significance for Warsaw breakage syndrome. Last evaluated: 2024-03-19. Review status: criteria provided, single submitter. Criteria: ACMG Guidelines, 2015. Collection method: clinical testing. Allele origin: germline.

Dr. Peter K. Rogan Lab, Western University
No classification provided (evidence only). Condition: Lung cancer. Review status: no classification provided. Collection method: in vitro. Allele origin: not applicable. Functional consequence: retained intron. Not counted in ClinVar's aggregate classification.

Dr. Peter K. Rogan Lab, Western University
No classification provided (evidence only). Condition: Uterine carcinosarcoma. Review status: no classification provided. Collection method: in vitro. Allele origin: not applicable. Functional consequence: retained intron. Not counted in ClinVar's aggregate classification.